The following is an entry in ClinVar:

ClinVar aggregate classification (germline): Likely benign. Review status: criteria provided, multiple submitters, no conflicts (2 of 4 stars). 2 submissions from 2 submitters: Likely benign (2). Last evaluated 2025-01-01.

Allele frequency attached by ClinVar (database versions not stated): gnomAD 0.00001; TOPMed 0.00002; gnomAD exomes 0.00003; ExAC 0.00006.

Submissions (2):

CeGaT Center for Human Genetics Tuebingen
Classification: Likely benign. Last evaluated: 2025-01-01. Review status: criteria provided, single submitter. Criteria: CeGaT Center For Human Genetics Tuebingen Variant Classification Criteria Version 2. Collection method: clinical testing. Allele origin: germline. Affected: yes. Observed: 1 variant allele.
Comment: ARID1B: PM5, BS2

Labcorp Genetics (formerly Invitae), Labcorp
Classification: Likely benign. Last evaluated: 2023-03-26. Review status: criteria provided, single submitter. Criteria: Invitae Variant Classification Sherloc (09022015). Collection method: clinical testing. Allele origin: germline.

NM_001374828.1(ARID1B):c.3257T>C (p.Met1086Thr)

Gene: ARID1B (AT-rich interaction domain 1B; plus strand). Cytogenetic location: 6q25.3.
Variant type: single nucleotide variant.
Coding change: c.3257T>C on transcript NM_001374828.1 (MANE Select); coding-DNA position 3257, T replaced by C.
Protein change: p.Met1086Thr; replaces methionine 1086 with threonine.
Molecular consequence: missense variant.
Genome position (GRCh38, 1-based): chr6:157,174,029, T>C. VCF-style: chr6-157174029-T-C. GRCh37 (hg19) VCF-style: chr6-157495163-T-C.
Other names: c.3008T>C, p.Met1003Thr (NM_001346813.1); c.758T>C, p.Met253Thr (NM_001363725.2); c.3296T>C, p.Met1099Thr (NM_001371656.1, NM_001374820.1); c.3257T>C, p.Met1086Thr (NM_017519.3); c.3047T>C, p.Met1016Thr (NM_020732.3); c.2834T>C, p.Met945Thr (NM_175863.2); short protein forms M1086T, M1099T, M253T, M1003T, M1016T, M945T.
Identifiers: ClinVar variation 2068117 (VCV002068117.17), dbSNP rs746808513, ClinGen allele CA4067262.